The following is an entry in ClinVar:

NM_003640.5(ELP1):c.1066_1067dup (p.Tyr357fs)

Gene: ELP1 (elongator acetyltransferase complex subunit 1; minus strand). Cytogenetic location: 9q31.3.
Variant type: Duplication.
Coding change: c.1066_1067dup on transcript NM_003640.5 (MANE Select); coding-DNA positions 1066 to 1067, 2 bases duplicated (CC; older notation c.1066_1067dupCC).
Protein change: p.Tyr357fs; shifts the reading frame from tyrosine 357.
Molecular consequence: frameshift variant.
Genome position (GRCh38, 1-based): chr9:108,912,386-108,912,387, GG duplicated on the plus strand (CC on the coding strand, the reverse complement: ELP1 is on the minus strand); duplicating any 2 consecutive bases within chr9:108,912,386-108,912,389 gives the same sequence; the c. name uses the placement nearest the transcript's 3' end. VCF-style (leftmost placement, unchanged base first): chr9-108912385-T-TGG. GRCh37 (hg19) VCF-style: chr9-111674665-T-TGG.
Other names: c.1066_1067dupCC (NM_003640.4); c.724_725dup, p.Tyr243fs (NM_001318360.2); c.19_20dup, p.Tyr8fs (NM_001330749.2); short protein forms Y8fs, Y357fs, Y243fs.
Identifiers: ClinVar variation 2882810 (VCV002882810.4), dbSNP rs761493072, ClinGen allele CA5175137.
Genomic context (GRCh38, chr9:108,912,385, plus strand): 5'-CGTCCAGTGCCAATCATAGGCGAGGTAATGCCAGCCCTGACAGAGAACATGCAGCCGGTA[T>TGG]GGGGTCACAGGGTCCCACATCAGAGACACAATCTTGCTCTTCCCACAGGTGCTGAAGGAT-3'

ClinVar aggregate classification (germline): Pathogenic/Likely pathogenic. Review status: criteria provided, multiple submitters, no conflicts (2 of 4 stars). 2 submissions from 2 submitters: Pathogenic (1); Likely pathogenic (1). Last evaluated 2025-09-15.

Conditions:
Familial dysautonomia. Also called: HSAN III; FD. Identifiers: Orphanet 1764, MedGen C0013364, MONDO:0009131, OMIM 223900. Disease mechanism: loss of function.

Submissions (2):

Natera, Inc.
Classification: Likely pathogenic for Familial dysautonomia. Last evaluated: 2025-09-15. Review status: criteria provided, single submitter. Criteria: Natera Variant Classification Schema (03/2026). Collection method: clinical testing. Allele origin: germline.
Comment: The c.1066_1067dupCC variant in ELP1 is a frameshift variant predicted to shift the reading frame beginning at codon 357 and leads to a stop codon 46 codons downstream. This variant is expected to result in nonsense mediated decay, truncation, or a dysfunctional protein product. This variant is rare in the general population with a frequency below the threshold expected for the associated phenotype(s). Given the available evidence, this variant is classified as Likely Pathogenic.

Labcorp Genetics (formerly Invitae), Labcorp
Classification: Pathogenic. Last evaluated: 2024-01-29. Review status: criteria provided, single submitter. Criteria: Invitae Variant Classification Sherloc (09022015). Collection method: clinical testing. Allele origin: germline.
Comment: This sequence change creates a premature translational stop signal (p.Tyr357Hisfs*46) in the ELP1 gene. It is expected to result in an absent or disrupted protein product. Loss-of-function variants in ELP1 are known to be pathogenic (PMID: 18303054, 24173031). This variant is present in population databases (rs761493072, gnomAD 0.006%). This premature translational stop signal has been observed in individual(s) with medulloblastoma (PMID: 32296180). For these reasons, this variant has been classified as Pathogenic.

Literature cited by the submitters: PubMed 18303054 (cited by Labcorp Genetics (formerly Invitae), Labcorp); PubMed 24173031 (cited by Labcorp Genetics (formerly Invitae), Labcorp); PubMed 32296180 (cited by Labcorp Genetics (formerly Invitae), Labcorp).